The following is an entry in ClinVar:

ClinVar aggregate classification (germline): Conflicting classifications of pathogenicity. Review status: criteria provided, conflicting classifications (1 of 4 stars). 8 submissions from 8 submitters: Uncertain significance (7); Likely benign (1). Last evaluated 2026-01-10.

Conditions:
Familial cancer of breast. Also called: Hereditary breast cancer; hereditary breast carcinoma; BREAST CANCER, FAMILIAL. Identifiers: Orphanet 227535, MedGen C0346153, MONDO:0016419, OMIM 114480. Disease mechanism: loss of function.
Hereditary cancer-predisposing syndrome. Also called: Hereditary neoplastic syndrome; Neoplastic Syndromes, Hereditary; Tumor predisposition; Hereditary Cancer Syndrome. Identifiers: Orphanet 140162, MedGen C0027672, MeSH D009386, MONDO:0015356.
Ataxia-telangiectasia syndrome (AT). Also called: Ataxia telangiectasia (A-T); LOUIS-BAR SYNDROME; Cerebello-oculocutaneous telangiectasia; Immunodeficiency with ataxia telangiectasia; Ataxia-telangiectasia, complementation group D; AT, COMPLEMENTATION GROUP C. Identifiers: Orphanet 100, MedGen C0004135, MONDO:0008840, OMIM 208900.

Allele frequency attached by ClinVar (database versions not stated): TOPMed below 0.00001; ExAC 0.00001.
gnomAD v4.1: 1 of 1,614,008 alleles (0.000062%); no homozygotes.

Submissions (8):

Labcorp Genetics (formerly Invitae), Labcorp
Classification: Uncertain significance for Ataxia-telangiectasia syndrome. Last evaluated: 2026-01-10. Review status: criteria provided, single submitter. Criteria: Invitae Variant Classification Sherloc (09022015). Collection method: clinical testing. Allele origin: germline.
Comment: This sequence change replaces isoleucine, which is neutral and non-polar, with valine, which is neutral and non-polar, at codon 1688 of the ATM protein (p.Ile1688Val). This variant is present in population databases (rs766053182, gnomAD 0.0009%). This missense change has been observed in individual(s) with kidney renal clear cell carcinoma (PMID: 26689913, 29684080). ClinVar contains an entry for this variant (Variation ID: 407693). Invitae Evidence Modeling of protein sequence and biophysical properties (such as structural, functional, and spatial information, amino acid conservation, physicochemical variation, residue mobility, and thermodynamic stability) indicates that this missense variant is not expected to disrupt ATM protein function with a negative predictive value of 95%. In summary, the available evidence is currently insufficient to determine the role of this variant in disease. Therefore, it has been classified as a Variant of Uncertain Significance.

Ambry Genetics
Classification: Likely benign for Hereditary cancer-predisposing syndrome. Last evaluated: 2024-12-05. Review status: criteria provided, single submitter. Criteria: Ambry Variant Classification Scheme 2023. Collection method: clinical testing. Allele origin: germline.

Color Diagnostics, LLC DBA Color Health
Classification: Uncertain significance for Hereditary cancer-predisposing syndrome. Last evaluated: 2024-10-29. Review status: criteria provided, single submitter. Criteria: ACMG Guidelines, 2015. Collection method: clinical testing. Allele origin: germline.
Comment: This missense variant replaces isoleucine with valine at codon 1688 of the ATM protein. Computational prediction suggests that this variant may not impact protein structure and function. To our knowledge, functional studies have not been reported for this variant. This variant has been reported in an individual affected with kidney renal clear cell carcinoma (PMID: 26689913). This variant has been identified in 1/245972 chromosomes in the general population by the Genome Aggregation Database (gnomAD). The available evidence is insufficient to determine the role of this variant in disease conclusively. Therefore, this variant is classified as a Variant of Uncertain Significance.

Baylor Genetics
Classification: Uncertain significance for Familial cancer of breast. Last evaluated: 2023-09-23. Review status: criteria provided, single submitter. Criteria: ACMG Guidelines, 2015. Collection method: clinical testing. Allele origin: unknown.

GeneDx
Classification: Uncertain significance. Last evaluated: 2023-06-06. Review status: criteria provided, single submitter. Criteria: GeneDx Variant Classification Process June 2021. Collection method: clinical testing. Allele origin: germline. Affected: yes.
Comment: Not observed at significant frequency in large population cohorts (gnomAD); In silico analysis supports that this missense variant does not alter protein structure/function; Observed in an individual with renal clear cell carcinoma (Yehia et al., 2018); This variant is associated with the following publications: (PMID: 26689913, 36010254, 29684080)

Mayo Clinic Laboratories, Mayo Clinic
Classification: Uncertain significance. Last evaluated: 2022-11-08. Review status: criteria provided, single submitter. Criteria: ACMG Guidelines, 2015. Collection method: clinical testing. Allele origin: germline. Observed: 2 variant alleles.
Comment: BP4, PM2

Athena Diagnostics
Classification: Uncertain significance. Last evaluated: 2022-07-05. Review status: criteria provided, single submitter. Criteria: Athena Diagnostics Criteria. Collection method: clinical testing. Allele origin: unknown.

Women's Health and Genetics/Laboratory Corporation of America, LabCorp
Classification: Uncertain significance. Last evaluated: 2017-10-06. Review status: criteria provided, single submitter. Criteria: LabCorp Variant Classification Summary - May 2015. Collection method: clinical testing. Allele origin: germline.
Comment: Variant summary: The ATM c.5062A>G (p.Ile1688Val) variant causes a missense change involving the alteration of a non-conserved nucleotide. 5/5 in silico tools predict a benign outcome for this variant. This variant was found in 1/245972 control chromosomes (gnomAD) at a frequency of 0.0000041, which does not exceed the estimated maximal expected allele frequency of a pathogenic ATM variant (0.0010005). In addition, multiple clinical diagnostic laboratories/reputable databases classified this variant as uncertain significance. The variant of interest has not, to our knowledge, been reported in affected individuals via publications nor evaluated for functional impact by in vivo/vitro studies. Because of the absence of clinical information and the lack of functional studies, the variant is classified as a variant of uncertain significance (VUS).

Literature cited by the submitters: PubMed 26689913 (cited by 4 submitters); PubMed 29684080 (cited by 3 submitters).

NM_000051.4(ATM):c.5062A>G (p.Ile1688Val)

Gene: ATM (ATM serine/threonine kinase; plus strand). Cytogenetic location: 11q22.3.
Variant type: single nucleotide variant.
Coding change: c.5062A>G on transcript NM_000051.4 (MANE Select); coding-DNA position 5062, A replaced by G.
Protein change: p.Ile1688Val; replaces isoleucine 1688 with valine.
Molecular consequence: missense variant.
Genome position (GRCh38, 1-based): chr11:108,299,770, A>G. VCF-style: chr11-108299770-A-G. GRCh37 (hg19) VCF-style: chr11-108170497-A-G.
Other names: p.Ile1688Val; c.5062A>G, p.Ile1688Val (NM_001351834.2); short protein forms I1688V.
Identifiers: ClinVar variation 407693 (VCV000407693.28), dbSNP rs766053182, ClinGen allele CA6265624.